The following is an entry in ClinVar:

ClinVar aggregate classification (germline): Benign/Likely benign. Review status: criteria provided, multiple submitters, no conflicts (2 of 4 stars). 4 submissions from 4 submitters: Benign (1); Likely benign (2). 1 of the submissions does not count toward it. Last evaluated 2026-01-28.

Conditions:
DNAH1-related disorder. Also called: DNAH1-related condition.
Spermatogenic failure 18. Identifiers: MedGen C4539783, MONDO:0054615, OMIM 617576.
Ciliary dyskinesia, primary, 37 (CILD37). Also called: CILIARY DYSKINESIA, PRIMARY, 37, WITH OR WITHOUT SITUS INVERSUS. Identifiers: MedGen C4539798, MONDO:0033204, OMIM 617577.

Allele frequency attached by ClinVar (database versions not stated): ESP Exome Variant Server 0.00383; gnomAD 0.00383 and 0.00364; TOPMed 0.00411; 1000 Genomes Project 0.00479; 1000 Genomes Project 30x 0.00484; gnomAD exomes 0.00032 and 0.00081; ExAC 0.00119.
gnomAD v4.1: 1,045 of 1,612,698 alleles (0.065%); highest among the groups gnomAD compares: African/African-American, 1.2%; 7 homozygotes.

Submissions (8):

Labcorp Genetics (formerly Invitae), Labcorp
Classification: Benign for Ciliary dyskinesia, primary, 37; Spermatogenic failure 18. Last evaluated: 2026-01-28. Review status: criteria provided, single submitter. Criteria: Invitae Variant Classification Sherloc (09022015). Collection method: clinical testing. Allele origin: germline.

ARUP Laboratories, Molecular Genetics and Genomics, ARUP Laboratories
Classification: Likely benign. Last evaluated: 2024-10-18. Review status: criteria provided, single submitter. Criteria: ARUP Molecular Germline Variant Investigation Process 2024. Collection method: clinical testing. Allele origin: germline.

Blueprint Genetics
Classification: Likely benign. Last evaluated: 2024-08-06. Review status: criteria provided, single submitter. Criteria: ACMG Guidelines, 2015. Collection method: clinical testing. Allele origin: germline.

PreventionGenetics, part of Exact Sciences
Classification: Benign for DNAH1-related condition. Last evaluated: 2019-06-18. Review status: no assertion criteria provided. Collection method: clinical testing. Allele origin: germline. Not counted in ClinVar's aggregate classification.
Comment: This variant is classified as benign based on ACMG/AMP sequence variant interpretation guidelines (Richards et al. 2015 PMID: 25741868, with internal and published modifications).

Dr. Peter K. Rogan Lab, Western University
No classification provided (evidence only). Condition: Lung cancer. Review status: no classification provided. Collection method: in vitro. Allele origin: not applicable. Functional consequence: retained intron. Not counted in ClinVar's aggregate classification.

Dr. Peter K. Rogan Lab, Western University
No classification provided (evidence only). Condition: Acute myeloid leukemia. Review status: no classification provided. Collection method: in vitro. Allele origin: not applicable. Functional consequence: retained intron. Not counted in ClinVar's aggregate classification.

Dr. Peter K. Rogan Lab, Western University
No classification provided (evidence only). Condition: Acute myeloid leukemia. Review status: no classification provided. Collection method: in vitro. Allele origin: not applicable. Functional consequence: skipped exon, retained intron. Not counted in ClinVar's aggregate classification.

Dr. Peter K. Rogan Lab, Western University
No classification provided (evidence only). Condition: Gastric cancer. Review status: no classification provided. Collection method: in vitro. Allele origin: not applicable. Functional consequence: retained intron. Not counted in ClinVar's aggregate classification.

NM_015512.5(DNAH1):c.5094+3A>T

Gene: DNAH1 (dynein axonemal heavy chain 1; plus strand). Cytogenetic location: 3p21.1.
Variant type: single nucleotide variant.
Coding change: c.5094+3A>T on transcript NM_015512.5 (MANE Select); 3 bases into the intron after coding-DNA position 5094, A replaced by T.
Molecular consequence: intron variant.
Genome position (GRCh38, 1-based): chr3:52,362,504, A>T. VCF-style: chr3-52362504-A-T. GRCh37 (hg19) VCF-style: chr3-52396520-A-T.
Identifiers: ClinVar variation 544669 (VCV000544669.16), dbSNP rs149183773, ClinGen allele CA2434087.
Genomic context (GRCh38, chr3:52,362,504, plus strand): 5'-GTTTATCACCATGAACCCGGGCTACGCTGGCCGCACGGAGCTGCCTGACAATCTGAAGGC[A>T]AGTGCAGGCCCAGAGTGGCCCAGGAAGCACCAGAGCTCTAGCCTGAGTTCAGAGATGCTA-3'